The following is an entry in ClinVar:

ClinVar aggregate classification (germline): Uncertain significance (1 of 4 stars; one submission).

Conditions:
Aicardi-Goutieres syndrome 7 (AGS7). Identifiers: Orphanet 51, MedGen C3888244, MONDO:0014367, OMIM 615846.
Singleton-Merten syndrome 1 (SGMRT1). Also called: Widened medullary cavities of bone, aortic calcification, abnormal dentition, and muscular weakness; Syndrome of widened medullary cavities of the metacarpals and phalanges, aortic calcification and abnormal dentition. Identifiers: Orphanet 85191, MedGen C4225427, MONDO:0024535, OMIM 182250.

Submission:

Labcorp Genetics (formerly Invitae), Labcorp
Classification: Uncertain significance for Aicardi-Goutieres syndrome 7; Singleton-Merten syndrome 1. Last evaluated: 2022-10-04. Review status: criteria provided, single submitter. Criteria: Invitae Variant Classification Sherloc (09022015). Collection method: clinical testing. Allele origin: germline.
Comment: This sequence change replaces leucine, which is neutral and non-polar, with proline, which is neutral and non-polar, at codon 129 of the IFIH1 protein (p.Leu129Pro). This variant is not present in population databases (gnomAD no frequency). In summary, the available evidence is currently insufficient to determine the role of this variant in disease. Therefore, it has been classified as a Variant of Uncertain Significance. Advanced modeling of protein sequence and biophysical properties (such as structural, functional, and spatial information, amino acid conservation, physicochemical variation, residue mobility, and thermodynamic stability) has been performed at Invitae for this missense variant, however the output from this modeling did not meet the statistical confidence thresholds required to predict the impact of this variant on IFIH1 protein function. ClinVar contains an entry for this variant (Variation ID: 1358045). This variant has not been reported in the literature in individuals affected with IFIH1-related conditions.

NM_022168.4(IFIH1):c.386T>C (p.Leu129Pro)

Gene: IFIH1 (interferon induced with helicase C domain 1; minus strand). Cytogenetic location: 2q24.2.
Variant type: single nucleotide variant.
Coding change: c.386T>C on transcript NM_022168.4 (MANE Select); coding-DNA position 386, T replaced by C.
Protein change: p.Leu129Pro; replaces leucine 129 with proline.
Molecular consequence: missense variant.
Genome position (GRCh38, 1-based): chr2:162,317,922, A>G on the plus strand (T>C on the coding strand, the complement: IFIH1 is on the minus strand). VCF-style: chr2-162317922-A-G. GRCh37 (hg19) VCF-style: chr2-163174432-A-G.
Other names: short protein forms L129P.
Identifiers: ClinVar variation 1358045 (VCV001358045.8), dbSNP rs2105237875, ClinGen allele CA349013484.